The following is an entry in ClinVar:

NM_014847.4(UBAP2L):c.419G>A (p.Arg140Gln)

Gene: UBAP2L (ubiquitin associated protein 2 like; plus strand). Cytogenetic location: 1q21.3.
Variant type: single nucleotide variant.
Coding change: c.419G>A on transcript NM_014847.4 (MANE Select); coding-DNA position 419, G replaced by A.
Protein change: p.Arg140Gln; replaces arginine 140 with glutamine.
Molecular consequence: missense variant.
Genome position (GRCh38, 1-based): chr1:154,234,730, G>A. VCF-style: chr1-154234730-G-A. GRCh37 (hg19) VCF-style: chr1-154207206-G-A.
Other names: c.419G>A, p.Arg140Gln (NM_001375615.1, NM_001375616.1, NM_001375617.1 and 20 more transcripts); short protein forms R140Q.
Identifiers: ClinVar variation 4881784 (VCV004881784.2).

ClinVar aggregate classification (germline): Uncertain significance (1 of 4 stars; one submission).

Submission:

Dasa
Classification: Uncertain significance. Last evaluated: 2025-06-17. Review status: criteria provided, single submitter. Criteria: DASA Assertion Criteria. Collection method: clinical testing. Allele origin: germline.
Comment: NM_014847.4(UBAP2L):c.419G>A (p.Arg140Gln) is a missense variant that results in the substitution of arginine with glutamine. This variant is rare in population databases. Computational prediction algorithms are consistent with a benign effect. The currently available literature and clinical evidence are not sufficient to establish a definitive association between this variant and the reported condition. Therefore, this variant is classified as a variant of uncertain significance.